The following is an entry in ClinVar:

ClinVar aggregate classification (germline): Likely pathogenic (1 of 4 stars; one submission).

Allele frequency attached by ClinVar (database versions not stated): TOPMed below 0.00001.

Submission:

Athena Diagnostics
Classification: Likely pathogenic. Last evaluated: 2019-03-13. Review status: criteria provided, single submitter. Criteria: Athena Diagnostics Criteria. Collection method: clinical testing. Allele origin: germline.
Comment: Not found in the total gnomAD dataset, and the data is high quality (0/282848 chr). Predicted to have a damaging effect on the protein. Moderate co-segregation with disease in affected and unaffected individuals, but from a single family.

Literature cited by the submitters: PubMed 25614874.

NM_018972.4(GDAP1):c.287A>G (p.Tyr96Cys)

Gene: GDAP1 (ganglioside induced differentiation associated protein 1; plus strand). Cytogenetic location: 8q21.11.
Variant type: single nucleotide variant.
Coding change: c.287A>G on transcript NM_018972.4 (MANE Select); coding-DNA position 287, A replaced by G.
Protein change: p.Tyr96Cys; replaces tyrosine 96 with cysteine.
Molecular consequence: missense variant. On other transcripts: intron variant (2).
Genome position (GRCh38, 1-based): chr8:74,351,443, A>G. VCF-style: chr8-74351443-A-G. GRCh37 (hg19) VCF-style: chr8-75263678-A-G.
Other names: c.83A>G, p.Tyr28Cys (NM_001040875.4); c.287A>G, p.Tyr96Cys (NM_001362930.2, NM_001362931.2); c.-18+122A>G (NM_001362929.2); c.-18+865A>G (NM_001362932.2); short protein forms Y28C, Y96C.
Identifiers: ClinVar variation 804865 (VCV000804865.1), dbSNP rs1586795440, ClinGen allele CA371499611.